The following is an entry in ClinVar:

ClinVar aggregate classification (germline): Uncertain significance (1 of 4 stars; one submission).

Submission:

GeneDx
Classification: Uncertain significance. Last evaluated: 2026-02-24. Review status: criteria provided, single submitter. Criteria: GeneDx Variant Classification Process June 2021. Collection method: clinical testing. Allele origin: germline.
Comment: Not observed at significant frequency in large population cohorts (gnomAD); In silico analysis supports that this missense variant has a deleterious effect on protein structure/function; Has not been previously published as pathogenic or benign to our knowledge

NM_138295.5(PKD1L1):c.1542T>A (p.Asn514Lys)

Gene: PKD1L1 (polycystin 1 like 1, transient receptor potential channel interacting; minus strand). Cytogenetic location: 7p12.3.
Variant type: single nucleotide variant.
Coding change: c.1542T>A on transcript NM_138295.5 (MANE Select); coding-DNA position 1542, T replaced by A.
Protein change: p.Asn514Lys; replaces asparagine 514 with lysine.
Molecular consequence: missense variant.
Genome position (GRCh38, 1-based): chr7:47,905,306, A>T on the plus strand (T>A on the coding strand, the complement: PKD1L1 is on the minus strand). VCF-style: chr7-47905306-A-T. GRCh37 (hg19) VCF-style: chr7-47944903-A-T.
Other names: short protein forms N514K.
Identifiers: ClinVar variation 5008116 (VCV005008116.1).
Genomic context (GRCh38, chr7:47,905,306, plus strand): 5'-TATTGTTTCCTTGGTAACAGCTGTAAATGTAATGTCTGTGTCTGTGGCAAACACAGTTCC[A>T]TTTGTGTAGACAGAGACGGCTGTGGCAAAAGAAAGGAAGGTATGTCTATGTCAACATAGG-3'
Protein context (NP_612152.1, residues 504-524): YKMQSVSVYT[Asn514Lys]GTVFATDTDI